The following is an entry in ClinVar:

NM_001843.4(CNTN1):c.2284C>G (p.Pro762Ala)

Gene: CNTN1 (contactin 1; plus strand). Cytogenetic location: 12q12.
Variant type: single nucleotide variant.
Coding change: c.2284C>G on transcript NM_001843.4 (MANE Select); coding-DNA position 2284, C replaced by G.
Protein change: p.Pro762Ala; replaces proline 762 with alanine.
Molecular consequence: missense variant.
Genome position (GRCh38, 1-based): chr12:41,016,781, C>G. VCF-style: chr12-41016781-C-G. GRCh37 (hg19) VCF-style: chr12-41410583-C-G.
Other names: c.2251C>G, p.Pro751Ala (NM_175038.2); c.2284C>G (NM_001843.2); short protein forms P762A, P751A.
Identifiers: ClinVar variation 546503 (VCV000546503.4), dbSNP rs566695601, ClinGen allele CA384586829.

ClinVar aggregate classification (germline): Uncertain significance. Review status: criteria provided, multiple submitters, no conflicts (2 of 4 stars). 2 submissions from 2 submitters: Uncertain significance (2). Last evaluated 2022-12-21.

Conditions:
Inborn genetic diseases. Identifiers: MedGen C0950123, MeSH D030342.

Allele frequency attached by ClinVar (database versions not stated): gnomAD 0.00001; TOPMed 0.00002.
gnomAD v4.1: 3 of 1,613,966 alleles (0.00019%); highest among the groups gnomAD compares: African/African-American, 0.004%; no homozygotes.

Submissions (2):

Ambry Genetics
Classification: Uncertain significance for Inborn genetic diseases. Last evaluated: 2022-12-21. Review status: criteria provided, single submitter. Criteria: Ambry Variant Classification Scheme 2023. Collection method: clinical testing. Allele origin: germline.

GeneDx
Classification: Uncertain significance. Last evaluated: 2018-05-29. Review status: criteria provided, single submitter. Criteria: GeneDx Variant Classification (06012015). Collection method: clinical testing. Allele origin: germline. Affected: yes.
Comment: A variant of uncertain significance has been identified in the CNTN1 gene. The P762A variant has not been published as a pathogenic variant, nor has it been reported as a benign variant to our knowledge. The P762A variant is observed in 1/8726 (0.01%) alleles from individuals of African background in large population cohorts (Lek et al., 2016). The P762A variant is a semi-conservative amino acid substitution, which may impact secondary protein structure as these residues differ in some properties. However, in-silico analyses, including protein predictors and evolutionary conservation, support that this variant does not alter protein structure/function. Therefore, based on the currently available information, it is unclear whether this variant is a pathogenic variant or a rare benign variant.